The following is an entry in ClinVar:

NM_000067.3(CA2):c.*303C>T

Gene: CA2 (carbonic anhydrase 2; plus strand). Cytogenetic location: 8q21.2.
Variant type: single nucleotide variant.
Coding change: c.*303C>T on transcript NM_000067.3 (MANE Select); 303 bases downstream of the stop codon, C replaced by T.
Molecular consequence: 3 prime UTR variant.
Genome position (GRCh38, 1-based): chr8:85,481,092, C>T. VCF-style: chr8-85481092-C-T. GRCh37 (hg19) VCF-style: chr8-86393321-C-T.
Other names: c.*303C>T (NM_001293675.2).
Identifiers: ClinVar variation 363839 (VCV000363839.5), dbSNP rs150089617, ClinGen allele CA10631660.
Genomic context (GRCh38, chr8:85,481,092, plus strand): 5'-AGGATAAGAAATAAGAATAAAGTACCTTGACTTTGTTCACAGCATGTAGGGTGATGAGCA[C>T]TCACAATTGTTGACTAAAATGCTGCTTTTAAAACATAGGAAAGTAGAATGGTTGAGTGCA-3'

ClinVar aggregate classification (germline): Benign (1 of 4 stars; one submission).

Conditions:
Osteopetrosis with renal tubular acidosis (OPTB3). Also called: Autosomal recessive osteopetrosis 3. Identifiers: Orphanet 2785, MedGen C0345407, MONDO:0009818, OMIM 259730.

Allele frequency attached by ClinVar (database versions not stated): gnomAD exomes 0.00114; gnomAD 0.00820 and 0.00878; 1000 Genomes Project 0.00859; 1000 Genomes Project 30x 0.00859; TOPMed 0.00928.
gnomAD v4.1: 1,457 of 340,292 alleles (0.43%); highest among the groups gnomAD compares: African/African-American, 2.8%; 20 homozygotes.

Submission:

Illumina Laboratory Services, Illumina
Classification: Benign for Osteopetrosis with renal tubular acidosis. Last evaluated: 2018-01-12. Review status: criteria provided, single submitter. Criteria: ICSL Variant Classification Criteria 13 December 2019. Collection method: clinical testing. Allele origin: germline.
Comment: This variant was observed in the ICSL laboratory as part of a predisposition screen in an ostensibly healthy population. It had not been previously curated by ICSL or reported in the Human Gene Mutation Database (HGMD: prior to June 1st, 2018), and was therefore a candidate for classification through an automated scoring system. Utilizing variant allele frequency, disease prevalence and penetrance estimates, and inheritance mode, an automated score was calculated to assess if this variant is too frequent to cause the disease. Based on the score and internal cut-off values, a variant classified as benign is not then subjected to further curation. The score for this variant resulted in a classification of benign for this disease.